The following is an entry in ClinVar:

ClinVar aggregate classification (germline): Pathogenic (1 of 4 stars; one submission).

Conditions:
Thrombocytopenia 5 (THC5). Also called: THROMBOCYTOPENIA 5 WITH INCREASED SUSCEPTIBILITY TO MALIGNANCY; THROMBOCYTOPENIA, AUTOSOMAL DOMINANT, 5. Identifiers: MedGen C4015537, MONDO:0014536, OMIM 616216.

Submission:

St. Jude Molecular Pathology, St. Jude Children's Research Hospital
Classification: Pathogenic for Thrombocytopenia 5. Last evaluated: 2026-10-01. Review status: criteria provided, single submitter. Criteria: St. Jude Assertion Criteria 2020. Collection method: clinical testing. Allele origin: germline.
Comment: The ETV6 c.1043T>A p.(Leu348Ter) change is a nonsense variant that is predicted to cause premature p rotein truncation or absence of protein due to nonsense-mediated decay. This variant is also absent in gnomAD v2.1.1. In summary, this variant meets criteria to be classified as pathogenic.

NM_001987.5(ETV6):c.1043T>A (p.Leu348Ter)

Genes: ETV6 (ETS variant transcription factor 6; plus strand), LOC126861452 (CDK7 strongly-dependent group 2 enhancer GRCh37_chr12:12037195-12038394; plus strand). Cytogenetic location: 12p13.2.
Variant type: single nucleotide variant.
Coding change: c.1043T>A on transcript NM_001987.5 (MANE Select); coding-DNA position 1043, T replaced by A.
Protein change: p.Leu348Ter; replaces leucine 348 with a stop codon.
Molecular consequence: nonsense. On other transcripts: intron variant (1).
Genome position (GRCh38, 1-based): chr12:11,884,478, T>A. VCF-style: chr12-11884478-T-A. GRCh37 (hg19) VCF-style: chr12-12037412-T-A.
Other names: c.1040T>A, p.Leu347Ter (NM_001413913.1); c.1016T>A, p.Leu339Ter (NM_001413914.1); c.779T>A, p.Leu260Ter (NM_001413915.1); c.1010-6463T>A (NM_001413917.1); short protein forms L260*, L339*, L347*, L348*.
Identifiers: ClinVar variation 5038418 (VCV005038418.1).
Genomic context (GRCh38, chr12:11,884,478, plus strand): 5'-GTGTTTTCTTGCCCTTTTCCTCTGTAGACTGTAGACTGCTTTGGGATTACGTCTATCAGT[T>A]GCTTTCTGACAGCCGGTACGAAAACTTCATCCGATGGGAGGACAAAGAATCCAAAATATT-3'